The following is an entry in ClinVar:

ClinVar aggregate classification (germline): Uncertain significance (1 of 4 stars; one submission).

Submission:

Ambry Genetics
Classification: Uncertain significance. Last evaluated: 2025-06-06. Review status: criteria provided, single submitter. Criteria: Ambry Variant Classification Scheme 2023. Collection method: clinical testing. Allele origin: germline.
Comment: The p.T570P variant (also known as c.1708A>C), located in coding exon 1 of the MLH3 gene, results from an A to C substitution at nucleotide position 1708. The threonine at codon 570 is replaced by proline, an amino acid with highly similar properties. This amino acid position is conserved. In addition, this alteration is predicted to be tolerated by in silico analysis. Based on the available evidence, the clinical significance of this variant remains unclear.

NM_001040108.2(MLH3):c.1708A>C (p.Thr570Pro)

Gene: MLH3 (mutL homolog 3; minus strand). Cytogenetic location: 14q24.3.
Variant type: single nucleotide variant.
Coding change: c.1708A>C on transcript NM_001040108.2 (MANE Select); coding-DNA position 1708, A replaced by C.
Protein change: p.Thr570Pro; replaces threonine 570 with proline.
Molecular consequence: missense variant.
Genome position (GRCh38, 1-based): chr14:75,047,948, T>G on the plus strand (A>C on the coding strand, the complement: MLH3 is on the minus strand). VCF-style: chr14-75047948-T-G. GRCh37 (hg19) VCF-style: chr14-75514651-T-G.
Other names: c.1708A>C, p.Thr570Pro (NM_014381.3); short protein forms T570P.
Identifiers: ClinVar variation 4055522 (VCV004055522.1).
Genomic context (GRCh38, chr14:75,047,948, plus strand): 5'-AATTGCTAGATTCTTTTTTTTTCTCTTTCTCTGTCTGAGCACTATGTACTCCCCATAATG[T>G]TGTTGCAAAAGGCAGAGGCTGGCATCCCACTTCAGTAGCATCTTTAAATCTCTTTGGTTG-3'
Protein context (NP_001035197.1, residues 560-580): VGCQPLPFAT[Thr570Pro]LWGVHSAQTE